The following is an entry in ClinVar:

NM_020940.4(FHIP2A):c.115G>T (p.Glu39Ter)

Gene: FHIP2A (FHF complex subunit HOOK interacting protein 2A; plus strand). Cytogenetic location: 10q25.3.
Variant type: single nucleotide variant.
Coding change: c.115G>T on transcript NM_020940.4 (MANE Select); coding-DNA position 115, G replaced by T.
Protein change: p.Glu39Ter; replaces glutamic acid 39 with a stop codon.
Molecular consequence: nonsense.
Genome position (GRCh38, 1-based): chr10:114,830,921, G>T. VCF-style: chr10-114830921-G-T. GRCh37 (hg19) VCF-style: chr10-116590680-G-T.
Other names: c.115G>T, p.Glu39Ter (NM_001135051.2); short protein forms E39*.
Identifiers: ClinVar variation 633777 (VCV000633777.4), dbSNP rs1592013653, ClinGen allele CA378479136.

ClinVar aggregate classification (germline): Likely pathogenic (0 of 4 stars; one submission).

Conditions:
Syndromic intellectual disability. Also called: Intellectual disability syndrome. Identifiers: Orphanet 183763, MedGen C5680525, MONDO:0000508.

Submission:

Tolun Lab, Human Genetics Laboratory, Bogazici University
Classification: Likely pathogenic for Intellectual disability syndrome. Last evaluated: 2019-05-24. Review status: no assertion criteria provided. Collection method: clinical testing. Allele origin: inherited. Inheritance: Autosomal recessive inheritance. Affected: yes. Observed: 1 homozygote.
Comment: The mutation we have found is a nonsense mutation, which probably leads to nonsense mediated mRNA decay. The mutation is not found in any databases such as 1000 Genomes or gnomAD. Therefore, although the function of the protein is not known, we evaluated our mutation to be pathogenic.